The following is an entry in ClinVar:

NM_001384732.1(CPLANE1):c.5099G>T (p.Arg1700Ile)

Gene: CPLANE1 (ciliogenesis and planar polarity effector complex subunit 1; minus strand). Cytogenetic location: 5p13.2.
Variant type: single nucleotide variant.
Coding change: c.5099G>T on transcript NM_001384732.1 (MANE Select); coding-DNA position 5099, G replaced by T.
Protein change: p.Arg1700Ile; replaces arginine 1700 with isoleucine.
Molecular consequence: missense variant.
Genome position (GRCh38, 1-based): chr5:37,183,082, C>A on the plus strand (G>T on the coding strand, the complement: CPLANE1 is on the minus strand). VCF-style: chr5-37183082-C-A. GRCh37 (hg19) VCF-style: chr5-37183184-C-A.
Other names: c.5099G>T (NM_023073.3); c.5099G>T, p.Arg1700Ile (NM_023073.4); short protein forms R1700I.
Identifiers: ClinVar variation 2141891 (VCV002141891.5), dbSNP rs190100945, ClinGen allele CA3238600.
Genomic context (GRCh38, chr5:37,183,082, plus strand): 5'-TTGAAAATACATCTTCTAGTTTTAATGGACTTGGGAGTCCAAAAAATGTGGTTTGATGAT[C>A]TCTGGATTAGACATTTCTCTCTAGTGTCATCTTGTATTTTGTAAATTGACCTTTGTTTTA-3'
Protein context (NP_001371661.1, residues 1690-1710): DDTREKCLIQ[Arg1700Ile]SSNHIFWTPK

ClinVar aggregate classification (germline): Uncertain significance. Review status: criteria provided, multiple submitters, no conflicts (2 of 4 stars). 2 submissions from 2 submitters: Uncertain significance (2). Last evaluated 2024-02-07.

Conditions:
Joubert syndrome 17 (JBTS17). Identifiers: Orphanet 475, MedGen C3553264, MONDO:0013824, OMIM 614615.
Orofaciodigital syndrome type 6 (OFD6). Also called: OROFACIODIGITAL SYNDROME VI; OFDS VI; POLYDACTYLY, CLEFT LIP/PALATE OR LINGUAL LUMP, AND PSYCHOMOTOR RETARDATION; VARADI SYNDROME; VARADI-PAPP SYNDROME; Oral-facial-digital syndrome type 6. Identifiers: Orphanet 2754, MedGen C2745997, MONDO:0010176, OMIM 277170.

Allele frequency attached by ClinVar (database versions not stated): ExAC 0.00001; TOPMed 0.00001; gnomAD 0.00005; gnomAD exomes 0.00008; 1000 Genomes Project 30x 0.00016; 1000 Genomes Project 0.00020.
gnomAD v4.1: 124 of 1,613,406 alleles (0.0077%); highest among the groups gnomAD compares: East Asian, 0.27%; no homozygotes.

Submissions (2):

Fulgent Genetics
Classification: Uncertain significance for Orofaciodigital syndrome type 6; Joubert syndrome 17. Last evaluated: 2024-02-07. Review status: criteria provided, single submitter. Criteria: ACMG Guidelines, 2015. Collection method: clinical testing. Allele origin: germline.

Labcorp Genetics (formerly Invitae), Labcorp
Classification: Uncertain significance. Last evaluated: 2023-12-11. Review status: criteria provided, single submitter. Criteria: Invitae Variant Classification Sherloc (09022015). Collection method: clinical testing. Allele origin: germline.
Comment: This sequence change replaces arginine, which is basic and polar, with isoleucine, which is neutral and non-polar, at codon 1700 of the CPLANE1 protein (p.Arg1700Ile). This variant is present in population databases (rs190100945, gnomAD 0.006%). This variant has not been reported in the literature in individuals affected with CPLANE1-related conditions. ClinVar contains an entry for this variant (Variation ID: 2141891). Advanced modeling of protein sequence and biophysical properties (such as structural, functional, and spatial information, amino acid conservation, physicochemical variation, residue mobility, and thermodynamic stability) performed at Invitae indicates that this missense variant is not expected to disrupt CPLANE1 protein function with a negative predictive value of 95%. In summary, the available evidence is currently insufficient to determine the role of this variant in disease. Therefore, it has been classified as a Variant of Uncertain Significance.